The following is an entry in ClinVar:

ClinVar aggregate classification (germline): Benign (0 of 4 stars; one submission).

Conditions:
MACROD2-related disorder. Also called: MACROD2-related condition.

Allele frequency attached by ClinVar (database versions not stated): 1000 Genomes Project 30x 0.00031; 1000 Genomes Project 0.00040; TOPMed 0.00075; ESP Exome Variant Server 0.00077.
gnomAD v4.1: 953 of 1,611,652 alleles (0.059%); highest among the groups gnomAD compares: Middle Eastern, 0.18%; 12 homozygotes.

Submission:

PreventionGenetics, part of Exact Sciences
Classification: Benign for MACROD2-related condition. Last evaluated: 2019-11-16. Review status: no assertion criteria provided. Collection method: clinical testing. Allele origin: germline.
Comment: This variant is classified as benign based on ACMG/AMP sequence variant interpretation guidelines (Richards et al. 2015 PMID: 25741868, with internal and published modifications).

NM_001351661.2(MACROD2):c.1295T>A (p.Leu432Gln)

Gene: MACROD2 (mono-ADP ribosylhydrolase 2; plus strand). Cytogenetic location: 20p12.1.
Variant type: single nucleotide variant.
Coding change: c.1295T>A on transcript NM_001351661.2 (MANE Select); coding-DNA position 1295, T replaced by A.
Protein change: p.Leu432Gln; replaces leucine 432 with glutamine.
Molecular consequence: missense variant. On other transcripts: intron variant (1).
Genome position (GRCh38, 1-based): chr20:16,044,634, T>A. VCF-style: chr20-16044634-T-A. GRCh37 (hg19) VCF-style: chr20-16025279-T-A.
Other names: c.590T>A, p.Leu197Gln (NM_001033087.2); c.1295T>A, p.Leu432Gln (NM_001351663.2); c.671T>A, p.Leu224Gln (NM_001351664.2); c.1231+3356T>A (NM_080676.6); short protein forms L197Q, L224Q, L432Q.
Identifiers: ClinVar variation 3048157 (VCV003048157.2), dbSNP rs139092334, ClinGen allele CA9769599.
Genomic context (GRCh38, chr20:16,044,634, plus strand): 5'-AAATGAATAGTCAGGTTGACAAGGTAAATGACCCAACAGAGAGTCAACAAGAAGATCAAC[T>A]AATAGGTAAGATGCCCCTTGTGGTGAGATTTTCAATGATCAACCAGCCATAAGAACTATT-3'
Protein context (NP_001338590.1, residues 422-442): DPTESQQEDQ[Leu432Gln]IAGAQDEAKE